The following is an entry in ClinVar:

NM_002700.3(POU4F3):c.526T>G (p.Cys176Gly)

Genes: POU4F3 (POU class 4 homeobox 3; plus strand), RBM27-POU4F3 (RBM27-POU4F3 readthrough; plus strand). Cytogenetic location: 5q32.
Variant type: single nucleotide variant.
Coding change: c.526T>G on transcript NM_002700.3 (MANE Select); coding-DNA position 526, T replaced by G.
Protein change: p.Cys176Gly; replaces cysteine 176 with glycine.
Molecular consequence: missense variant.
Genome position (GRCh38, 1-based): chr5:146,339,953, T>G. VCF-style: chr5-146339953-T-G. GRCh37 (hg19) VCF-style: chr5-145719516-T-G.
Other names: short protein forms C176G.
Identifiers: ClinVar variation 676045 (VCV000676045.6), dbSNP rs368239745, ClinGen allele CA3491157.
Genomic context (GRCh38, chr5:146,339,953, plus strand): 5'-CACCAGGCCATGGGCATGAGTCACCCGCACACCGTGGCCCCTCATAGCGCCATGCCTGCA[T>G]GCCTCAGCGACGTGGAGTCAGACCCGCGCGAGCTGGAAGCCTTCGCCGAGCGCTTCAAGC-3'
Protein context (NP_002691.1, residues 166-186): TVAPHSAMPA[Cys176Gly]LSDVESDPRE

ClinVar aggregate classification (germline): Conflicting classifications of pathogenicity. Review status: criteria provided, conflicting classifications (1 of 4 stars). 2 submissions from 2 submitters: Uncertain significance (1); Likely benign (1). Last evaluated 2025-12-08.

Allele frequency attached by ClinVar (database versions not stated): gnomAD exomes 0.00002; gnomAD 0.00001; ESP Exome Variant Server 0.00008; TOPMed 0.00002; ExAC 0.00003.

Submissions (2):

Labcorp Genetics (formerly Invitae), Labcorp
Classification: Uncertain significance. Last evaluated: 2025-12-08. Review status: criteria provided, single submitter. Criteria: Invitae Variant Classification Sherloc (09022015). Collection method: clinical testing. Allele origin: germline.
Comment: This sequence change replaces cysteine, which is neutral and slightly polar, with glycine, which is neutral and non-polar, at codon 176 of the POU4F3 protein (p.Cys176Gly). This variant is present in population databases (rs368239745, gnomAD 0.01%). This variant has not been reported in the literature in individuals affected with POU4F3-related conditions. ClinVar contains an entry for this variant (Variation ID: 676045). Invitae Evidence Modeling of protein sequence and biophysical properties (such as structural, functional, and spatial information, amino acid conservation, physicochemical variation, residue mobility, and thermodynamic stability) indicates that this missense variant is not expected to disrupt POU4F3 protein function with a negative predictive value of 80%. In summary, the available evidence is currently insufficient to determine the role of this variant in disease. Therefore, it has been classified as a Variant of Uncertain Significance.

GeneDx
Classification: Likely benign. Last evaluated: 2018-03-28. Review status: criteria provided, single submitter. Criteria: GeneDx Variant Classification (06012015). Collection method: clinical testing. Allele origin: germline. Affected: yes.
Comment: This variant is considered likely benign or benign based on one or more of the following criteria: it is a conservative change, it occurs at a poorly conserved position in the protein, it is predicted to be benign by multiple in silico algorithms, and/or has population frequency not consistent with disease.